The following is an entry in ClinVar:

NM_000171.4(GLRA1):c.1324C>T (p.Arg442Cys)

Gene: GLRA1 (glycine receptor alpha 1; minus strand). Cytogenetic location: 5q33.1.
Variant type: single nucleotide variant.
Coding change: c.1324C>T on transcript NM_000171.4 (MANE Select); coding-DNA position 1324, C replaced by T.
Protein change: p.Arg442Cys; replaces arginine 442 with cysteine.
Molecular consequence: missense variant.
Genome position (GRCh38, 1-based): chr5:151,822,699, G>A on the plus strand (C>T on the coding strand, the complement: GLRA1 is on the minus strand). VCF-style: chr5-151822699-G-A. GRCh37 (hg19) VCF-style: chr5-151202260-G-A.
Other names: c.1348C>T, p.Arg450Cys (NM_001146040.2); c.1075C>T, p.Arg359Cys (NM_001292000.2); short protein forms R359C, R442C, R450C.
Identifiers: ClinVar variation 958747 (VCV000958747.8), dbSNP rs750346568, ClinGen allele CA361849602.

ClinVar aggregate classification (germline): Uncertain significance (1 of 4 stars; one submission).

Conditions:
Hereditary hyperekplexia. Identifiers: Orphanet 3197, MedGen C4084968, MONDO:0021022.

Allele frequency attached by ClinVar (database versions not stated): gnomAD exomes below 0.00001.
gnomAD v4.1: 5 of 1,613,428 alleles (0.00031%); highest among the groups gnomAD compares: East Asian, 0.0022%; no homozygotes.

Submission:

Labcorp Genetics (formerly Invitae), Labcorp
Classification: Uncertain significance for Hereditary hyperekplexia. Last evaluated: 2022-11-15. Review status: criteria provided, single submitter. Criteria: Invitae Variant Classification Sherloc (09022015). Collection method: clinical testing. Allele origin: germline.
Comment: This sequence change replaces arginine, which is basic and polar, with cysteine, which is neutral and slightly polar, at codon 442 of the GLRA1 protein (p.Arg442Cys). This variant is present in population databases (no rsID available, gnomAD 0.003%). In summary, the available evidence is currently insufficient to determine the role of this variant in disease. Therefore, it has been classified as a Variant of Uncertain Significance. Advanced modeling of protein sequence and biophysical properties (such as structural, functional, and spatial information, amino acid conservation, physicochemical variation, residue mobility, and thermodynamic stability) has been performed at Invitae for this missense variant, however the output from this modeling did not meet the statistical confidence thresholds required to predict the impact of this variant on GLRA1 protein function. ClinVar contains an entry for this variant (Variation ID: 958747). This variant has not been reported in the literature in individuals affected with GLRA1-related conditions.